The following is an entry in ClinVar:

NM_005559.4(LAMA1):c.6299del (p.Leu2099_Ser2100insTer)

Gene: LAMA1 (laminin subunit alpha 1; minus strand). Cytogenetic location: 18p11.31.
Variant type: Deletion.
Coding change: c.6299del on transcript NM_005559.4 (MANE Select); coding-DNA position 6299, one base deleted (C; older notation c.6299delC).
Protein change: p.Leu2099_Ser2100insTer.
Molecular consequence: nonsense.
Genome position (GRCh38, 1-based): chr18:6,977,773, G deleted on the plus strand (C on the coding strand, the reverse complement: LAMA1 is on the minus strand). VCF-style (leftmost placement, unchanged base first): chr18-6977772-TG-T. GRCh37 (hg19) VCF-style: chr18-6977771-TG-T.
Identifiers: ClinVar variation 430114 (VCV000430114.8), dbSNP rs1131691789, ClinGen allele CA645369664.

ClinVar aggregate classification (germline): Pathogenic. Review status: criteria provided, multiple submitters, no conflicts (2 of 4 stars). 2 submissions from 2 submitters: Pathogenic (2). Last evaluated 2017-09-26.

Allele frequency attached by ClinVar (database versions not stated): gnomAD exomes below 0.00001; TOPMed below 0.00001; gnomAD 0.00001.

Submissions (2):

Labcorp Genetics (formerly Invitae), Labcorp
Classification: Pathogenic. Last evaluated: 2017-09-26. Review status: criteria provided, single submitter. Criteria: Invitae Variant Classification Sherloc (09022015). Collection method: clinical testing. Allele origin: germline.
Comment: This sequence change creates a premature translational stop signal (p.Ser2100*) in the LAMA1 gene. It is expected to result in an absent or disrupted protein product. This variant is not present in population databases (ExAC no frequency). This variant has not been reported in the literature in individuals with LAMA1-related disease. ClinVar contains an entry for this variant (Variation ID: 430114). Loss-of-function variants in LAMA1 are known to be pathogenic (PMID: 25105227, 26932191). For these reasons, this variant has been classified as Pathogenic.

GeneDx
Classification: Pathogenic. Last evaluated: 2017-05-18. Review status: criteria provided, single submitter. Criteria: GeneDx Variant Classification (06012015). Collection method: clinical testing. Allele origin: germline. Affected: yes.
Comment: The c.6299delC variant in the LAMA1 gene has not been reported previously as a pathogenic variant nor as a benign variant, to our knowledge. The c.6299delC variant causes the substitution of a premature Stop codon for Serine at codon 2100, denoted p.Ser2100Ter. This variant is predicted to cause loss of normal protein function either through protein truncation or nonsense-mediated mRNA decay. The c.6299delC variant is not observed in large population cohorts (Lek et al., 2016; 1000 Genomes Consortium et al., 2015; Exome Variant Server). We interpret c.6299delC as a pathogenic variant.

Literature cited by the submitters: PubMed 25105227 (cited by Labcorp Genetics (formerly Invitae), Labcorp); PubMed 26932191 (cited by Labcorp Genetics (formerly Invitae), Labcorp).